The following is an entry in ClinVar:

NM_004999.4(MYO6):c.1770+2T>C

Gene: MYO6 (myosin VI; plus strand). Cytogenetic location: 6q14.1.
Variant type: single nucleotide variant.
Coding change: c.1770+2T>C on transcript NM_004999.4 (MANE Select); the canonical splice donor site of the intron after coding-DNA position 1770, T replaced by C.
Molecular consequence: splice donor variant.
Genome position (GRCh38, 1-based): chr6:75,866,623, T>C. VCF-style: chr6-75866623-T-C. GRCh37 (hg19) VCF-style: chr6-76576340-T-C.
Other names: c.1770+2T>C (NM_001368865.1, NM_001368866.1, NM_001368137.1 and 2 more transcripts); c.1755+2T>C (NM_001368138.1).
Identifiers: ClinVar variation 4541191 (VCV004541191.1).

ClinVar aggregate classification (germline): Likely pathogenic (1 of 4 stars; one submission).

gnomAD v4.1: 1 of 1,610,562 alleles (0.000062%); no homozygotes.

Submission:

Mayo Clinic Laboratories, Mayo Clinic
Classification: Likely pathogenic. Last evaluated: 2025-05-15. Review status: criteria provided, single submitter. Criteria: ACMG Guidelines, 2015. Collection method: clinical testing. Allele origin: germline. Observed: 1 variant allele.
Comment: PM2_moderate, PVS1